The following is an entry in ClinVar:

ClinVar aggregate classification (germline): Pathogenic (1 of 4 stars; one submission).

Conditions:
Hereditary insensitivity to pain with anhidrosis (CIPA). Also called: hereditary sensory and autonomic neuropathy type 4; INSENSITIVITY TO PAIN, CONGENITAL, WITH ANHIDROSIS; HSAN Type IV; FAMILIAL DYSAUTONOMIA, TYPE II; NEUROPATHY, CONGENITAL SENSORY, WITH ANHIDROSIS; NTRK1 Congenital Insensitivity to Pain with Anhidrosis. Identifiers: Orphanet 642, MedGen C0020074, MONDO:0009746, OMIM 256800.

Submission:

Labcorp Genetics (formerly Invitae), Labcorp
Classification: Pathogenic for Hereditary insensitivity to pain with anhidrosis. Last evaluated: 2022-02-11. Review status: criteria provided, single submitter. Criteria: Invitae Variant Classification Sherloc (09022015). Collection method: clinical testing. Allele origin: germline.
Comment: For these reasons, this variant has been classified as Pathogenic. This variant has not been reported in the literature in individuals affected with NTRK1-related conditions. This variant is not present in population databases (gnomAD no frequency). This sequence change creates a premature translational stop signal (p.Phe425Serfs*42) in the NTRK1 gene. It is expected to result in an absent or disrupted protein product. Loss-of-function variants in NTRK1 are known to be pathogenic (PMID: 10982191).

Literature cited by the submitters: PubMed 10982191.

NM_002529.4(NTRK1):c.1284_1291dup (p.Phe431fs)

Gene: NTRK1 (neurotrophic receptor tyrosine kinase 1; plus strand). Cytogenetic location: 1q23.1.
Variant type: Duplication.
Coding change: c.1284_1291dup on transcript NM_002529.4 (MANE Select); coding-DNA positions 1284 to 1291, 8 bases duplicated (CTGCCTCT; older notation c.1284_1291dupCTGCCTCT).
Protein change: p.Phe431fs; shifts the reading frame from phenylalanine 431.
Molecular consequence: frameshift variant.
Genome position (GRCh38, 1-based): chr1:156,874,938-156,874,945, CTGCCTCT duplicated. VCF-style (leftmost placement, unchanged base first): chr1-156874937-C-CCTGCCTCT. GRCh37 (hg19) VCF-style: chr1-156844729-C-CCTGCCTCT.
Other names: c.1284_1291dup, p.Phe431Serfs (NM_001007204.1); c.1176_1183dup, p.Phe395fs (NM_001007792.1); c.1266_1273dup, p.Phe425fs (NM_001012331.2); short protein forms F395fs, F425fs, F431fs.
Identifiers: ClinVar variation 2096843 (VCV002096843.4), dbSNP rs2525628302, ClinGen allele CA2580061226.